The following is an entry in ClinVar:

NM_001127222.2(CACNA1A):c.4471GTC[1] (p.Val1492del)

Gene: CACNA1A (calcium voltage-gated channel subunit alpha1 A; minus strand). Cytogenetic location: 19p13.13.
Variant type: Microsatellite.
Coding change: c.4471GTC[1] on transcript NM_001127222.2 (MANE Select); one copy of the 3-base unit GTC starting at c.4471; the reference has two copies in a row; one copy, 3 bases deleted.
Protein change: p.Val1492del; deletes valine 1492.
Molecular consequence: inframe deletion.
Genome position (GRCh38, 1-based): chr19:13,257,464-13,257,466, GAC deleted on the plus strand (GTC on the coding strand, the reverse complement: CACNA1A is on the minus strand); deleting any 3 consecutive bases within chr19:13,257,464-13,257,470 gives the same sequence; the position shown is the placement nearest the transcript's 3' end. VCF-style (leftmost placement, unchanged base first): chr19-13257463-AGAC-A. GRCh37 (hg19) VCF-style: chr19-13368277-AGAC-A.
Other names: c.4483GTC[1], p.Val1496del (NM_000068.4, NM_023035.3); c.4474GTC[1], p.Val1493del (NM_001127221.2, NM_001174080.2); short protein forms V1496del, V1493del, V1492del.
Identifiers: ClinVar variation 1999043 (VCV001999043.4), dbSNP rs2512741042, ClinGen allele CA2580613070.

ClinVar aggregate classification (germline): Uncertain significance (1 of 4 stars; one submission).

Conditions:
Episodic ataxia type 2 (EA2). Also called: ATAXIA, EPISODIC, WITH NYSTAGMUS; ATAXIA, FAMILIAL PAROXYSMAL; CEREBELLAR ATAXIA, PAROXYSMAL, ACETAZOLAMIDE-RESPONSIVE; CEREBELLOPATHY, HEREDITARY PAROXYSMAL; ACETAZOLAMIDE-RESPONSIVE HEREDITARY PAROXYSMAL CEREBELLAR ATAXIA; EPISODIC ATAXIA, NYSTAGMUS-ASSOCIATED. Identifiers: Orphanet 97, MedGen C1720416, MONDO:0007163, OMIM 108500.
Developmental and epileptic encephalopathy, 42 (DEE42A). Also called: EPILEPTIC ENCEPHALOPATHY, EARLY INFANTILE, 42A; Epileptic encephalopathy, early infantile, 42; DEVELOPMENTAL AND EPILEPTIC ENCEPHALOPATHY 42A. Identifiers: MedGen C4310716, MONDO:0014917, OMIM 617106.

Submission:

Labcorp Genetics (formerly Invitae), Labcorp
Classification: Uncertain significance for Developmental and epileptic encephalopathy, 42; Episodic ataxia type 2. Last evaluated: 2022-05-25. Review status: criteria provided, single submitter. Criteria: Invitae Variant Classification Sherloc (09022015). Collection method: clinical testing. Allele origin: germline.
Comment: In summary, the available evidence is currently insufficient to determine the role of this variant in disease. Therefore, it has been classified as a Variant of Uncertain Significance. This variant disrupts a region of the CACNA1A protein in which other variant(s) (p.Val1493Ile) have been observed in individuals with CACNA1A-related conditions (PMID: 15173248). This suggests that this is a clinically significant region of the protein, and that variants that disrupt it are likely to be disease-causing. Experimental studies and prediction algorithms are not available or were not evaluated, and the functional significance of this variant is currently unknown. This variant has not been reported in the literature in individuals affected with CACNA1A-related conditions. This variant is not present in population databases (gnomAD no frequency). This variant, c.4477_4479del, results in the deletion of 1 amino acid(s) of the CACNA1A protein (p.Val1493del), but otherwise preserves the integrity of the reading frame.

Literature cited by the submitters: PubMed 15173248.